The following is an entry in ClinVar:

ClinVar aggregate classification (germline): Conflicting classifications of pathogenicity. Review status: criteria provided, conflicting classifications (1 of 4 stars). 4 submissions from 4 submitters: Uncertain significance (2); Likely benign (1). 1 of the submissions does not count toward it. Last evaluated 2026-01-28.

Conditions:
Hyperlipoproteinemia, type I. Also called: Lipoprotein Lipase Deficiency; HYPERLIPOPROTEINEMIA, TYPE IA; LPL DEFICIENCY; Hyperlipoproteinemia type 1; Hyperchylomicro-nemia familial; Familial chylomicronemia. Identifiers: Orphanet 309015, Orphanet 444490, MedGen C0023817, MONDO:0009387, OMIM 238600. Disease mechanism: loss of function.
Cardiovascular phenotype. Identifiers: MedGen CN230736.

Allele frequency attached by ClinVar (database versions not stated): gnomAD 0.00011 and below 0.00001; gnomAD exomes 0.00018 and 0.00032; 1000 Genomes Project 30x 0.00031; ExAC 0.00039; TOPMed 0.00002; 1000 Genomes Project 0.00020.
gnomAD v4.1: 278 of 1,614,146 alleles (0.017%); highest among the groups gnomAD compares: South Asian, 0.29%; 7 homozygotes.

Submissions (4):

Labcorp Genetics (formerly Invitae), Labcorp
Classification: Likely benign. Last evaluated: 2026-01-28. Review status: criteria provided, single submitter. Criteria: Invitae Variant Classification Sherloc (09022015). Collection method: clinical testing. Allele origin: germline.

Ambry Genetics
Classification: Uncertain significance for Cardiovascular phenotype. Last evaluated: 2024-03-30. Review status: criteria provided, single submitter. Criteria: Ambry Variant Classification Scheme 2023. Collection method: clinical testing. Allele origin: germline.
Comment: The p.A97V variant (also known as c.290C>T), located in coding exon 3 of the LPL gene, results from a C to T substitution at nucleotide position 290. The alanine at codon 97 is replaced by valine, an amino acid with similar properties. This amino acid position is conserved. In addition, this alteration is predicted to be tolerated by in silico analysis. Since supporting evidence is limited at this time, the clinical significance of this alteration remains unclear.

Illumina Laboratory Services, Illumina
Classification: Uncertain significance for Hyperlipoproteinemia, type I. Last evaluated: 2017-04-27. Review status: criteria provided, single submitter. Criteria: ICSL Variant Classification Criteria 13 December 2019. Collection method: clinical testing. Allele origin: germline.

Natera, Inc.
Classification: Benign for Lipoprotein lipase deficiency. Last evaluated: 2020-04-14. Review status: no assertion criteria provided. Collection method: clinical testing. Allele origin: germline. Not counted in ClinVar's aggregate classification.

NM_000237.3(LPL):c.290C>T (p.Ala97Val)

Gene: LPL (lipoprotein lipase; plus strand). Cytogenetic location: 8p21.3.
Variant type: single nucleotide variant.
Coding change: c.290C>T on transcript NM_000237.3 (MANE Select); coding-DNA position 290, C replaced by T.
Protein change: p.Ala97Val; replaces alanine 97 with valine.
Molecular consequence: missense variant.
Genome position (GRCh38, 1-based): chr8:19,951,809, C>T. VCF-style: chr8-19951809-C-T. GRCh37 (hg19) VCF-style: chr8-19809320-C-T.
Other names: short protein forms A97V.
Identifiers: ClinVar variation 723310 (VCV000723310.17), dbSNP rs201946950, ClinGen allele CA4655375.